The following is an entry in ClinVar:

NM_005026.5(PIK3CD):c.931-9G>C

Gene: PIK3CD (phosphatidylinositol-4,5-bisphosphate 3-kinase catalytic subunit delta; plus strand). Cytogenetic location: 1p36.22.
Variant type: single nucleotide variant.
Coding change: c.931-9G>C on transcript NM_005026.5 (MANE Select); 9 bases into the intron before coding-DNA position 931, G replaced by C.
Molecular consequence: intron variant.
Genome position (GRCh38, 1-based): chr1:9,717,528, G>C. VCF-style: chr1-9717528-G-C. GRCh37 (hg19) VCF-style: chr1-9777586-G-C.
Other names: p.?; c.931-9G>C (LRG_191t1, NM_001350234.2); c.844-9G>C (NM_001350235.1).
Identifiers: ClinVar variation 440067 (VCV000440067.23), dbSNP rs28730669, ClinGen allele CA577031.
Genomic context (GRCh38, chr1:9,717,528, plus strand): 5'-CTCACCATAGGCCAGGGAGACAAGCTGCACTTTGAGCCGTGTTAACAGCCCTGCTTCCCC[G>C]GCCCCCAGCCTTCCTCTGTGTCCCTGTGGTCCCTGGAGCAGCCGTTCCGCATCGAGCTCA-3'

ClinVar aggregate classification (germline): Benign. Review status: criteria provided, multiple submitters, no conflicts (2 of 4 stars). 5 submissions from 5 submitters: Benign (5). Last evaluated 2026-02-03.

Conditions:
Immunodeficiency 14 (IMD14A). Also called: IMMUNODEFICIENCY 14A WITH LYMPHOPROLIFERATION, AUTOSOMAL DOMINANT; ACTIVATED PI3K-DELTA SYNDROME 1; p110-DELTA-ACTIVATING MUTATION CAUSING SENESCENT T CELLS, LYMPHADENOPATHY, AND IMMUNODEFICIENCY; Activated PI3K Delta Syndrome Type 1 (APDS1). Identifiers: Orphanet 397596, Orphanet 693661, MedGen C5907821, MONDO:0014222, OMIM 615513.

Allele frequency attached by ClinVar (database versions not stated): TOPMed 0.01666; ExAC 0.01655; gnomAD exomes 0.02277 and 0.01702; 1000 Genomes Project 0.00779; 1000 Genomes Project 30x 0.00796; gnomAD 0.01699 and 0.01748; ESP Exome Variant Server 0.01584.
gnomAD v4.1: 35,693 of 1,613,626 alleles (2.2%); highest among the groups gnomAD compares: Non-Finnish European, 2.6%; 497 homozygotes.

Submissions (5):

Labcorp Genetics (formerly Invitae), Labcorp
Classification: Benign for Activated PI3K-delta syndrome. Last evaluated: 2026-02-03. Review status: criteria provided, single submitter. Criteria: Invitae Variant Classification Sherloc (09022015). Collection method: clinical testing. Allele origin: germline.

Women's Health and Genetics/Laboratory Corporation of America, LabCorp
Classification: Benign. Last evaluated: 2026-01-22. Review status: criteria provided, single submitter. Criteria: LabCorp Variant Classification Summary - May 2015. Collection method: clinical testing. Allele origin: germline.

ARUP Laboratories, Molecular Genetics and Genomics, ARUP Laboratories
Classification: Benign. Last evaluated: 2025-07-25. Review status: criteria provided, single submitter. Criteria: ARUP Molecular Germline Variant Investigation Process 2024. Collection method: clinical testing. Allele origin: germline.

Mayo Clinic Laboratories, Mayo Clinic
Classification: Benign. Last evaluated: 2023-10-27. Review status: criteria provided, single submitter. Criteria: ACMG Guidelines, 2015. Collection method: clinical testing. Allele origin: germline. Observed: 41 variant alleles.
Comment: BS1, BS2, BP4, BP7

Breakthrough Genomics
Classification: Benign. Review status: criteria provided, single submitter. Criteria: ACMG Guidelines, 2015. Collection method: not provided. Allele origin: germline. Inheritance: Autosomal recessive inheritance. Affected: yes.